The following is an entry in ClinVar:

NM_001148.6(ANK2):c.3232A>G (p.Ile1078Val)

Gene: ANK2 (ankyrin 2; plus strand). Cytogenetic location: 4q26.
Variant type: single nucleotide variant.
Coding change: c.3232A>G on transcript NM_001148.6 (MANE Select); coding-DNA position 3232, A replaced by G.
Protein change: p.Ile1078Val; replaces isoleucine 1078 with valine.
Molecular consequence: missense variant.
Genome position (GRCh38, 1-based): chr4:113,333,061, A>G. VCF-style: chr4-113333061-A-G. GRCh37 (hg19) VCF-style: chr4-114254217-A-G.
Other names: c.3130A>G, p.Ile1044Val (NM_001354236.2); c.3310A>G, p.Ile1104Val (NM_001354237.2); c.3202A>G, p.Ile1068Val (NM_001354239.2, NM_001354252.2); c.3277A>G, p.Ile1093Val (NM_001354240.2, NM_001354241.2, NM_001386144.1); c.3274A>G, p.Ile1092Val (NM_001354242.2, NM_001354231.2); c.3169A>G, p.Ile1057Val (NM_001354243.2, NM_001354255.2, NM_001386143.1); c.3166A>G, p.Ile1056Val (NM_001354244.2, NM_001354256.2, NM_001386161.1); c.3070A>G, p.Ile1024Val (NM_001354245.2, NM_001354262.2, NM_001354275.2); and 28 more; short protein forms I1003V, I1026V, I1031V, I1071V, I1073V, I1077V, I1092V, I1097V.
Identifiers: ClinVar variation 2914818 (VCV002914818.3), dbSNP rs1269748001, ClinGen allele CA357935838.

ClinVar aggregate classification (germline): Uncertain significance (1 of 4 stars; one submission).

Conditions:
Long QT syndrome (LQTS). Identifiers: MedGen C0023976, MeSH D008133, MONDO:0002442. Disease mechanism: loss of function. Inheritance: Various modes of inheritance.

gnomAD v4.1: 1 of 1,614,134 alleles (0.000062%); no homozygotes.

Submission:

Labcorp Genetics (formerly Invitae), Labcorp
Classification: Uncertain significance for Long QT syndrome. Last evaluated: 2023-10-17. Review status: criteria provided, single submitter. Criteria: Invitae Variant Classification Sherloc (09022015). Collection method: clinical testing. Allele origin: germline.
Comment: This sequence change replaces isoleucine, which is neutral and non-polar, with valine, which is neutral and non-polar, at codon 1078 of the ANK2 protein (p.Ile1078Val). This variant is not present in population databases (gnomAD no frequency). This variant has not been reported in the literature in individuals affected with ANK2-related conditions. Advanced modeling of protein sequence and biophysical properties (such as structural, functional, and spatial information, amino acid conservation, physicochemical variation, residue mobility, and thermodynamic stability) performed at Invitae indicates that this missense variant is not expected to disrupt ANK2 protein function. In summary, the available evidence is currently insufficient to determine the role of this variant in disease. Therefore, it has been classified as a Variant of Uncertain Significance.